The following is an entry in ClinVar:

NC_000019.10:g.45529183T>A

Genes: OPA3-RTN2 (OPA3-RTN2 readthrough; minus strand), OPA3 (outer mitochondrial membrane lipid metabolism regulator OPA3; minus strand). Cytogenetic location: 19q13.32.
Variant type: single nucleotide variant.
Molecular consequence: missense variant (on NM_001017989.3).
Genome position: GRCh38 VCF-style: chr19-45529183-T-A. GRCh37 (hg19) VCF-style: chr19-46032441-T-A.
Other names: c.416A>T, p.Gln139Leu (NM_001017989.3); short protein forms Q139L.
Identifiers: ClinVar variation 790939 (VCV000790939.16), dbSNP rs201888844, ClinGen allele CA9517284.

ClinVar aggregate classification (germline): Conflicting classifications of pathogenicity. Review status: criteria provided, conflicting classifications (1 of 4 stars). 4 submissions from 4 submitters: Uncertain significance (2); Benign (1); Likely benign (1). Last evaluated 2026-04-16.

Conditions:
3-Methylglutaconic aciduria type 3 (MGCA3). Also called: Costeff Syndrome; OPA3-Related 3-Methylglutaconic Aciduria; OPA3, AUTOSOMAL RECESSIVE; OPTIC ATROPHY 3, AUTOSOMAL RECESSIVE. Identifiers: Orphanet 67047, MedGen C0574084, MONDO:0009787, OMIM 258501.
Optic atrophy 3 (OPA3). Also called: OPTIC ATROPHY 3, AUTOSOMAL DOMINANT; Optic atrophy, cataract, and neurologic disorder; Optic atrophy 3 with cataract. Identifiers: Orphanet 67036, MedGen C1833809, MONDO:0008133, OMIM 165300.

Allele frequency attached by ClinVar (database versions not stated): ESP Exome Variant Server 0.00015; ExAC 0.00021; gnomAD exomes 0.00013 and 0.00024; TOPMed 0.00019; gnomAD 0.00016.
gnomAD v4.1: 229 of 1,610,392 alleles (0.014%); highest among the groups gnomAD compares: Non-Finnish European, 0.0078%; no homozygotes.

Submissions (4):

GeneDx
Classification: Uncertain significance. Last evaluated: 2026-04-16. Review status: criteria provided, single submitter. Criteria: GeneDx Variant Classification Process June 2021. Collection method: clinical testing. Allele origin: germline.
Comment: Has not been previously published as pathogenic or benign to our knowledge; In silico analysis supports that this missense variant has a deleterious effect on protein structure/function; Reported using an alternate transcript of the gene

CeGaT Center for Human Genetics Tuebingen
Classification: Uncertain significance. Last evaluated: 2026-03-01. Review status: criteria provided, single submitter. Criteria: CeGaT Center For Human Genetics Tuebingen Variant Classification Criteria Version 2. Collection method: clinical testing. Allele origin: germline. Affected: yes. Observed: 2 variant alleles.
Comment: OPA3: PM2, BP4

Blueprint Genetics
Classification: Benign. Last evaluated: 2024-10-24. Review status: criteria provided, single submitter. Criteria: ACMG Guidelines, 2015. Collection method: clinical testing. Allele origin: germline.

Labcorp Genetics (formerly Invitae), Labcorp
Classification: Likely benign for 3-Methylglutaconic aciduria type 3; Optic atrophy 3. Last evaluated: 2018-11-10. Review status: criteria provided, single submitter. Criteria: Invitae Variant Classification Sherloc (09022015). Collection method: clinical testing. Allele origin: germline.